The following is an entry in ClinVar:

ClinVar aggregate classification (germline): Uncertain significance (1 of 4 stars; one submission).

Allele frequency attached by ClinVar (database versions not stated): gnomAD exomes below 0.00001.
gnomAD v4.1: 3 of 1,611,482 alleles (0.00019%); highest among the groups gnomAD compares: East Asian, 0.0067%; no homozygotes.

Submissions (2):

Women's Health and Genetics/Laboratory Corporation of America, LabCorp
Classification: Uncertain significance. Last evaluated: 2020-09-14. Review status: criteria provided, single submitter. Criteria: LabCorp Variant Classification Summary - May 2015. Collection method: clinical testing. Allele origin: germline.
Comment: Variant summary: BRCA1 c.134+16T>A alters a non-conserved nucleotide located close to a canonical splice site and therefore could affect mRNA splicing, leading to a significantly altered protein sequence. 4/4 computational tools predict no significant impact on normal splicing. However, these predictions have yet to be confirmed by functional studies. The variant was absent in 249290 control chromosomes (gnomAD). The available data on variant occurrences in the general population are insufficient to allow any conclusion about variant significance. To our knowledge, no occurrence of c.134+16T>A in individuals affected with Hereditary Breast And Ovarian Cancer Syndrome has been reported. At least one invitro study reports experimental evidence evaluating an impact on protein function. These results showed no damaging effect of this variant (Findlay_2018). No clinical diagnostic laboratories have submitted clinical-significance assessments for this variant to ClinVar after 2014. Based on the evidence outlined above, the variant was classified as VUS-possibly benign.

Brotman Baty Institute, University of Washington
No classification provided (evidence only). Condition: Breast-ovarian cancer, familial 1. Review status: no classification provided. Collection method: in vitro. Allele origin: not applicable. Functional consequence: functionally_normal. Not counted in ClinVar's aggregate classification.
ClinVar note: "not provided" was previously submitted as the classification for the variant. However, the classification appeared to be based only on an observation of functional data so it was converted to no classification on 2025-07-30.

Literature cited by the submitters: PubMed 30209399 (cited by Women's Health and Genetics/Laboratory Corporation of America, LabCorp).

NM_007294.4(BRCA1):c.134+16T>A

Gene: BRCA1 (BRCA1 DNA repair associated; minus strand). Cytogenetic location: 17q21.31.
Variant type: single nucleotide variant.
Coding change: c.134+16T>A on transcript NM_007294.4 (MANE Select); 16 bases into the intron after coding-DNA position 134, T replaced by A.
Molecular consequence: intron variant.
Genome position (GRCh38, 1-based): chr17:43,115,710, A>T on the plus strand (T>A on the coding strand, the complement: BRCA1 is on the minus strand). VCF-style: chr17-43115710-A-T. GRCh37 (hg19) VCF-style: chr17-41267727-A-T.
Other names: c.-8+16T>A (NM_001408458.1, NM_001408470.1, NM_001407848.1 and 47 more transcripts); c.-219+9567T>A (NM_001407967.1); c.-170+9567T>A (NM_001407959.1); c.-7-9177T>A (NM_001407931.1, NM_001407747.1, NM_001408511.1 and 2 more transcripts); c.-170+16T>A (NM_001407962.1, NM_001408512.1, NM_001408510.1 and 1 more transcripts); c.-55+16T>A (NM_001407885.1, NM_001407886.1, NM_001408509.1 and 52 more transcripts); c.-124+16T>A (NM_001407746.1, NM_001408468.1, NM_001407842.1 and 13 more transcripts); c.-8+8307T>A (NM_001408461.1, NM_001407738.1, NM_001407932.1 and 23 more transcripts); and 10 more.
Identifiers: ClinVar variation 867851 (VCV000867851.4), dbSNP rs2055238665, ClinGen allele CA913012339.